The following is an entry in ClinVar:

ClinVar aggregate classification (germline): Uncertain significance (1 of 4 stars; one submission).

Conditions:
Ullrich congenital muscular dystrophy 2 (UCMD2). Identifiers: Orphanet 75840, MedGen C4225314, MONDO:0014654, OMIM 616470.
Bethlem myopathy 2 (BTHLM2). Identifiers: Orphanet 536516, Orphanet 610, MedGen C4225313, MONDO:0034022, OMIM 616471.

Submission:

Labcorp Genetics (formerly Invitae), Labcorp
Classification: Uncertain significance for Bethlem myopathy 2; Ullrich congenital muscular dystrophy 2. Last evaluated: 2020-08-25. Review status: criteria provided, single submitter. Criteria: Invitae Variant Classification Sherloc (09022015). Collection method: clinical testing. Allele origin: germline.
Comment: In summary, the available evidence is currently insufficient to determine the role of this variant in disease. Therefore, it has been classified as a Variant of Uncertain Significance. This sequence change replaces threonine with proline at codon 2401 of the COL12A1 protein (p.Thr2401Pro). The threonine residue is highly conserved and there is a small physicochemical difference between threonine and proline. This variant is not present in population databases (ExAC no frequency). This variant has not been reported in the literature in individuals with COL12A1-related conditions. Algorithms developed to predict the effect of missense changes on protein structure and function (SIFT, PolyPhen-2, Align-GVGD) all suggest that this variant is likely to be disruptive, but these predictions have not been confirmed by published functional studies and their clinical significance is uncertain.

NM_004370.6(COL12A1):c.7201A>C (p.Thr2401Pro)

Genes: COL12A1 (collagen type XII alpha 1 chain; minus strand), LOC126859712 (MED14-independent group 3 enhancer GRCh37_chr6:75828643-75829842; plus strand). Cytogenetic location: 6q13.
Variant type: single nucleotide variant.
Coding change: c.7201A>C on transcript NM_004370.6 (MANE Select); coding-DNA position 7201, A replaced by C.
Protein change: p.Thr2401Pro; replaces threonine 2401 with proline.
Molecular consequence: missense variant.
Genome position (GRCh38, 1-based): chr6:75,119,359, T>G on the plus strand (A>C on the coding strand, the complement: COL12A1 is on the minus strand). VCF-style: chr6-75119359-T-G. GRCh37 (hg19) VCF-style: chr6-75829075-T-G.
Other names: c.3709A>C, p.Thr1237Pro (NM_080645.3); short protein forms T1237P, T2401P.
Identifiers: ClinVar variation 1015274 (VCV001015274.9), dbSNP rs1769243797, ClinGen allele CA364748403.